The following is an entry in ClinVar:

ClinVar aggregate classification (germline): Pathogenic (1 of 4 stars; one submission).

Conditions:
Polycystic kidney disease, adult type (PKD1). Also called: Polycystic Kidney Disease 1, Autosomal Dominant; Polycystic kidney disease 1; Polycystic kidney disease 1, severe; Polycystic Kidney, Autosomal Dominant; POLYCYSTIC KIDNEY DISEASE 1 WITH OR WITHOUT POLYCYSTIC LIVER DISEASE; POLYCYSTIC KIDNEY DISEASE, ADULT, TYPE I. Identifiers: MedGen C3149841, MONDO:0008263, OMIM 173900.

Submission:

MVZ Medizinische Genetik Mainz
Classification: Pathogenic for Polycystic kidney disease, adult type. Last evaluated: 2021-08-16. Review status: criteria provided, single submitter. Criteria: UK Practice Guidelines For Variant Classification V4 01 2020. Collection method: clinical testing. Allele origin: germline. Inheritance: Autosomal dominant inheritance. Affected: yes. Observed: 1 variant allele.
Comment: ACMG Criteria: PVS1, PM2_SUP, PP4 (ACMG Version 3)

NM_001009944.3(PKD1):c.8324_8325insA (p.Leu2776fs)

Gene: PKD1 (polycystin 1, transient receptor potential channel interacting; minus strand). Cytogenetic location: 16p13.3.
Variant type: Insertion.
Coding change: c.8324_8325insA on transcript NM_001009944.3 (MANE Select); coding-DNA positions 8324 to 8325, A inserted.
Protein change: p.Leu2776fs; shifts the reading frame from leucine 2776.
Molecular consequence: frameshift variant.
Genome position: GRCh38 VCF-style: chr16-2103732-C-CT. GRCh37 (hg19) VCF-style: chr16-2153733-C-CT.
Other names: c.8324_8325insA, p.Leu2776fs (NM_000296.4); short protein forms L2776fs.
Identifiers: ClinVar variation 3235188 (VCV003235188.1), dbSNP rs2544745612.